The following is an entry in ClinVar:

ClinVar aggregate classification (germline): Uncertain significance (1 of 4 stars; one submission).

Conditions:
Inborn genetic diseases. Identifiers: MedGen C0950123, MeSH D030342.

Submission:

Ambry Genetics
Classification: Uncertain significance for Inborn genetic diseases. Last evaluated: 2024-12-15. Review status: criteria provided, single submitter. Criteria: Ambry Variant Classification Scheme 2023. Collection method: clinical testing. Allele origin: germline.
Comment: The p.S319N variant (also known as c.956G>A), located in coding exon 7 of the DNMT3A gene, results from a G to A substitution at nucleotide position 956. The serine at codon 319 is replaced by asparagine, an amino acid with highly similar properties. This amino acid position is conserved. In addition, this alteration is predicted to be tolerated by in silico analysis. Based on the available evidence, the clinical significance of this variant remains unclear.

NM_022552.5(DNMT3A):c.956G>A (p.Ser319Asn)

Gene: DNMT3A (DNA methyltransferase 3 alpha; minus strand). Cytogenetic location: 2p23.3.
Variant type: single nucleotide variant.
Coding change: c.956G>A on transcript NM_022552.5 (MANE Select); coding-DNA position 956, G replaced by A.
Protein change: p.Ser319Asn; replaces serine 319 with asparagine.
Molecular consequence: missense variant. On other transcripts: non-coding transcript variant (1).
Genome position (GRCh38, 1-based): chr2:25,247,649, C>T on the plus strand (G>A on the coding strand, the complement: DNMT3A is on the minus strand). VCF-style: chr2-25247649-C-T. GRCh37 (hg19) VCF-style: chr2-25470518-C-T.
Other names: c.500G>A, p.Ser167Asn (NM_001320893.1); c.287G>A, p.Ser96Asn (NM_001375819.1); c.389G>A, p.Ser130Asn (NM_153759.3); c.956G>A, p.Ser319Asn (NM_175629.2); short protein forms S130N, S167N, S96N, S319N.
Identifiers: ClinVar variation 3841732 (VCV003841732.1).